The following is an entry in ClinVar:

ClinVar aggregate classification (germline): Likely benign (0 of 4 stars; one submission).

Conditions:
PLXNA4-related disorder. Also called: PLXNA4-related condition.

Submission:

PreventionGenetics, part of Exact Sciences
Classification: Likely benign for PLXNA4-related condition. Last evaluated: 2023-11-17. Review status: no assertion criteria provided. Collection method: clinical testing. Allele origin: germline.
Comment: This variant is classified as likely benign based on ACMG/AMP sequence variant interpretation guidelines (Richards et al. 2015 PMID: 25741868, with internal and published modifications).

NM_020911.2(PLXNA4):c.2875C>T (p.Leu959=)

Gene: PLXNA4 (plexin A4; minus strand). Cytogenetic location: 7q32.3.
Variant type: single nucleotide variant.
Coding change: c.2875C>T on transcript NM_020911.2 (MANE Select); coding-DNA position 2875, C replaced by T.
Protein change: p.Leu959=; no amino-acid change (leucine 959 retained).
Molecular consequence: synonymous variant.
Genome position (GRCh38, 1-based): chr7:132,187,589, G>A on the plus strand (C>T on the coding strand, the complement: PLXNA4 is on the minus strand). VCF-style: chr7-132187589-G-A. GRCh37 (hg19) VCF-style: chr7-131872348-G-A.
Other names: c.2875C>T, p.Leu959= (NM_001393897.1).
Identifiers: ClinVar variation 3350045 (VCV003350045.1).